The following is an entry in ClinVar:

NM_000368.5(TSC1):c.1829T>C (p.Val610Ala)

Gene: TSC1 (TSC complex subunit 1; minus strand). Cytogenetic location: 9q34.13.
Variant type: single nucleotide variant.
Coding change: c.1829T>C on transcript NM_000368.5 (MANE Select); coding-DNA position 1829, T replaced by C.
Protein change: p.Val610Ala; replaces valine 610 with alanine.
Molecular consequence: missense variant.
Genome position (GRCh38, 1-based): chr9:132,905,749, A>G on the plus strand (T>C on the coding strand, the complement: TSC1 is on the minus strand). VCF-style: chr9-132905749-A-G. GRCh37 (hg19) VCF-style: chr9-135781136-A-G.
Other names: c.1826T>C, p.Val609Ala (NM_001162426.2); c.1676T>C, p.Val559Ala (NM_001162427.2); c.1466T>C, p.Val489Ala (NM_001362177.2); short protein forms V559A, V610A, V489A, V609A.
Identifiers: ClinVar variation 1488231 (VCV001488231.8), dbSNP rs1845619064, ClinGen allele CA375363229.
Genomic context (GRCh38, chr9:132,905,749, plus strand): 5'-TTCTTTAACAGCTCCTCAGTCTTCCTGATGACAAAATGATGGGCTGTCTTTGGCAATGCC[A>G]CCTCAAAAAGATGATCATACGGGGGAGGCTGCCCGCTTCCAAAGCCCACTCTCGTCGGAG-3'
Protein context (NP_000359.1, residues 600-620): QPPPYDHLFE[Val610Ala]ALPKTAHHFV

ClinVar aggregate classification (germline): Uncertain significance (1 of 4 stars; one submission).

Conditions:
Tuberous sclerosis 1 (TSC1). Identifiers: Orphanet 805, MedGen C1854465, MONDO:0008612, OMIM 191100.

Submission:

Labcorp Genetics (formerly Invitae), Labcorp
Classification: Uncertain significance for Tuberous sclerosis 1. Last evaluated: 2023-02-10. Review status: criteria provided, single submitter. Criteria: Invitae Variant Classification Sherloc (09022015). Collection method: clinical testing. Allele origin: germline.
Comment: This sequence change replaces valine, which is neutral and non-polar, with alanine, which is neutral and non-polar, at codon 610 of the TSC1 protein (p.Val610Ala). This variant is not present in population databases (gnomAD no frequency). This variant has not been reported in the literature in individuals affected with TSC1-related conditions. ClinVar contains an entry for this variant (Variation ID: 1488231). Advanced modeling of protein sequence and biophysical properties (such as structural, functional, and spatial information, amino acid conservation, physicochemical variation, residue mobility, and thermodynamic stability) performed at Invitae indicates that this missense variant is not expected to disrupt TSC1 protein function. In summary, the available evidence is currently insufficient to determine the role of this variant in disease. Therefore, it has been classified as a Variant of Uncertain Significance.